The following is an entry in ClinVar:

ClinVar aggregate classification (germline): Likely pathogenic (1 of 4 stars; one submission).

Conditions:
Loeys-Dietz syndrome 2 (LDS2). Also called: TGFBR2-Related Loeys-Dietz Syndrome; AORTIC ANEURYSM, FAMILIAL THORACIC 3; MARFAN SYNDROME, TYPE II; Marfan syndrome, type 2 (formerly); Marfan Syndrome type 2; Marfan like connective tissue disorder. Identifiers: Orphanet 284973, Orphanet 558, MedGen C2674574, MONDO:0012427, OMIM 610168.

Submission:

Institute of Human Genetics, University of Leipzig Medical Center
Classification: Likely pathogenic for Loeys-Dietz syndrome 2. Last evaluated: 2022-09-27. Review status: criteria provided, single submitter. Criteria: ACMG Guidelines, 2015. Collection method: clinical testing. Allele origin: unknown. Affected: yes.
Comment: _x000D_ Criteria applied: PM1, PM5, PM2_SUP, PP3, PP4

NM_003242.6(TGFBR2):c.860G>C (p.Trp287Ser)

Gene: TGFBR2 (transforming growth factor beta receptor 2; plus strand). Cytogenetic location: 3p24.1.
Variant type: single nucleotide variant.
Coding change: c.860G>C on transcript NM_003242.6 (MANE Select); coding-DNA position 860, G replaced by C.
Protein change: p.Trp287Ser; replaces tryptophan 287 with serine.
Molecular consequence: missense variant.
Genome position (GRCh38, 1-based): chr3:30,672,043, G>C. VCF-style: chr3-30672043-G-C. GRCh37 (hg19) VCF-style: chr3-30713535-G-C.
Other names: c.935G>C, p.Trp312Ser (NM_001024847.3); c.1043G>C, p.Trp348Ser (NM_001407126.1); c.863G>C, p.Trp288Ser (NM_001407129.1); c.860G>C, p.Trp287Ser (NM_001407130.1); c.755G>C, p.Trp252Ser (NM_001407132.1, NM_001407133.1, NM_001407134.1 and 2 more transcripts); c.575G>C, p.Trp192Ser (NM_001407137.1); c.500G>C, p.Trp167Ser (NM_001407138.1); c.968G>C, p.Trp323Ser (NM_001407127.1); and 1 more; short protein forms W287S, W312S, W167S, W252S, W192S, W288S, W323S, W348S.
Identifiers: ClinVar variation 1297003 (VCV001297003.3), dbSNP rs2125434732, ClinGen allele CA351808030.